The following is an entry in ClinVar:

ClinVar aggregate classification (germline): Uncertain significance. Review status: criteria provided, multiple submitters, no conflicts (2 of 4 stars). 2 submissions from 2 submitters: Uncertain significance (2). Last evaluated 2023-12-08.

Allele frequency attached by ClinVar (database versions not stated): gnomAD exomes 0.00006 and 0.00010; ExAC 0.00007; TOPMed 0.00008; gnomAD 0.00009; ESP Exome Variant Server 0.00023.
gnomAD v4.1: 159 of 1,614,126 alleles (0.0099%); highest among the groups gnomAD compares: Non-Finnish European, 0.012%; no homozygotes.

Submissions (2):

Blueprint Genetics
Classification: Uncertain significance. Last evaluated: 2023-12-08. Review status: criteria provided, single submitter. Criteria: ACMG Guidelines, 2015. Collection method: clinical testing. Allele origin: germline.

Labcorp Genetics (formerly Invitae), Labcorp
Classification: Uncertain significance. Last evaluated: 2022-05-03. Review status: criteria provided, single submitter. Criteria: Invitae Variant Classification Sherloc (09022015). Collection method: clinical testing. Allele origin: germline.
Comment: This sequence change replaces arginine, which is basic and polar, with histidine, which is basic and polar, at codon 100 of the FERMT1 protein (p.Arg100His). This variant is present in population databases (rs146184803, gnomAD 0.02%). This variant has not been reported in the literature in individuals affected with FERMT1-related conditions. Algorithms developed to predict the effect of missense changes on protein structure and function are either unavailable or do not agree on the potential impact of this missense change (SIFT: "Deleterious"; PolyPhen-2: "Possibly Damaging"; Align-GVGD: "Class C0"). In summary, the available evidence is currently insufficient to determine the role of this variant in disease. Therefore, it has been classified as a Variant of Uncertain Significance.

NM_017671.5(FERMT1):c.299G>A (p.Arg100His)

Gene: FERMT1 (FERM domain containing kindlin 1; minus strand). Cytogenetic location: 20p12.3.
Variant type: single nucleotide variant.
Coding change: c.299G>A on transcript NM_017671.5 (MANE Select); coding-DNA position 299, G replaced by A.
Protein change: p.Arg100His; replaces arginine 100 with histidine.
Molecular consequence: missense variant.
Genome position (GRCh38, 1-based): chr20:6,115,897, C>T on the plus strand (G>A on the coding strand, the complement: FERMT1 is on the minus strand). VCF-style: chr20-6115897-C-T. GRCh37 (hg19) VCF-style: chr20-6096544-C-T.
Other names: short protein forms R100H.
Identifiers: ClinVar variation 1410092 (VCV001410092.4), dbSNP rs146184803, ClinGen allele CA9758494.